The following is an entry in ClinVar:

NM_001365480.1(CCDC88A):c.4103G>A (p.Arg1368His)

Gene: CCDC88A (coiled-coil domain containing 88A; minus strand). Cytogenetic location: 2p16.1.
Variant type: single nucleotide variant.
Coding change: c.4103G>A on transcript NM_001365480.1 (MANE Select); coding-DNA position 4103, G replaced by A.
Protein change: p.Arg1368His; replaces arginine 1368 with histidine.
Molecular consequence: missense variant.
Genome position (GRCh38, 1-based): chr2:55,309,231, C>T on the plus strand (G>A on the coding strand, the complement: CCDC88A is on the minus strand). VCF-style: chr2-55309231-C-T. GRCh37 (hg19) VCF-style: chr2-55536367-C-T.
Other names: c.4100G>A, p.Arg1367His (NM_001135597.2, NM_001254943.2); c.4103G>A, p.Arg1368His (NM_018084.5); short protein forms R1368H, R1367H.
Identifiers: ClinVar variation 1966485 (VCV001966485.3), dbSNP rs966116188, ClinGen allele CA47587590.

ClinVar aggregate classification (germline): Uncertain significance (1 of 4 stars; one submission).

Allele frequency attached by ClinVar (database versions not stated): gnomAD 0.00001; gnomAD exomes 0.00001; TOPMed 0.00001.
gnomAD v4.1: 13 of 1,479,942 alleles (0.00088%); highest among the groups gnomAD compares: African/African-American, 0.0014%; no homozygotes.

Submission:

Labcorp Genetics (formerly Invitae), Labcorp
Classification: Uncertain significance. Last evaluated: 2022-02-06. Review status: criteria provided, single submitter. Criteria: Invitae Variant Classification Sherloc (09022015). Collection method: clinical testing. Allele origin: germline.
Comment: In summary, the available evidence is currently insufficient to determine the role of this variant in disease. Therefore, it has been classified as a Variant of Uncertain Significance. Algorithms developed to predict the effect of missense changes on protein structure and function are either unavailable or do not agree on the potential impact of this missense change (SIFT: "Deleterious"; PolyPhen-2: "Probably Damaging"; Align-GVGD: "Class C0"). This variant has not been reported in the literature in individuals affected with CCDC88A-related conditions. The frequency data for this variant in the population databases is considered unreliable, as metrics indicate poor data quality at this position in the gnomAD database. This sequence change replaces arginine, which is basic and polar, with histidine, which is basic and polar, at codon 1367 of the CCDC88A protein (p.Arg1367His).